The following is an entry in ClinVar:

ClinVar aggregate classification (germline): Uncertain significance. Review status: criteria provided, multiple submitters, no conflicts (2 of 4 stars). 2 submissions from 2 submitters: Uncertain significance (2). Last evaluated 2024-02-17.

Conditions:
Inborn genetic diseases. Identifiers: MedGen C0950123, MeSH D030342.
Spastic paraplegia. Identifiers: MedGen C0037772, HP:0001258.

Allele frequency attached by ClinVar (database versions not stated): TOPMed 0.00001.

Submissions (2):

Ambry Genetics
Classification: Uncertain significance for Inborn genetic diseases. Last evaluated: 2024-02-17. Review status: criteria provided, single submitter. Criteria: Ambry Variant Classification Scheme 2023. Collection method: clinical testing. Allele origin: germline.

Labcorp Genetics (formerly Invitae), Labcorp
Classification: Uncertain significance for Spastic paraplegia. Last evaluated: 2022-10-14. Review status: criteria provided, single submitter. Criteria: Invitae Variant Classification Sherloc (09022015). Collection method: clinical testing. Allele origin: germline.
Comment: In summary, the available evidence is currently insufficient to determine the role of this variant in disease. Therefore, it has been classified as a Variant of Uncertain Significance. Advanced modeling of protein sequence and biophysical properties (such as structural, functional, and spatial information, amino acid conservation, physicochemical variation, residue mobility, and thermodynamic stability) performed at Invitae indicates that this missense variant is expected to disrupt CYP2U1 protein function. ClinVar contains an entry for this variant (Variation ID: 1447982). This variant has not been reported in the literature in individuals affected with CYP2U1-related conditions. This variant is not present in population databases (gnomAD no frequency). This sequence change replaces tyrosine, which is neutral and polar, with asparagine, which is neutral and polar, at codon 114 of the CYP2U1 protein (p.Tyr114Asn).

NM_183075.3(CYP2U1):c.340T>A (p.Tyr114Asn)

Genes: CYP2U1 (cytochrome P450 family 2 subfamily U member 1; plus strand), CYP2U1-AS1 (CYP2U1 and SGMS2 antisense RNA 1; minus strand). Cytogenetic location: 4q25.
Variant type: single nucleotide variant.
Coding change: c.340T>A on transcript NM_183075.3 (MANE Select); coding-DNA position 340, T replaced by A.
Protein change: p.Tyr114Asn; replaces tyrosine 114 with asparagine.
Molecular consequence: missense variant. On other transcripts: non-coding transcript variant (1).
Genome position (GRCh38, 1-based): chr4:107,931,983, T>A. VCF-style: chr4-107931983-T-A. GRCh37 (hg19) VCF-style: chr4-108853139-T-A.
Other names: c.340T>A (NM_183075.2); short protein forms Y114N.
Identifiers: ClinVar variation 1447982 (VCV001447982.7), dbSNP rs1733005836, ClinGen allele CA357832560.